The following is an entry in ClinVar:

ClinVar aggregate classification (germline): Uncertain significance (1 of 4 stars; one submission).

Conditions:
Hypertrophic cardiomyopathy 1 (CMH1). Also called: MYH7-Related Familial Hypertrophic Cardiomyopathy; Familial hypertrophic cardiomyopathy 1. Identifiers: MedGen C3495498, MONDO:0008647, OMIM 192600.

Allele frequency attached by ClinVar (database versions not stated): gnomAD exomes below 0.00001 and 0.00001; ExAC 0.00001; gnomAD 0.00001 and 0.00003; TOPMed 0.00002; 1000 Genomes Project 30x 0.00016; 1000 Genomes Project 0.00020.

Submission:

Labcorp Genetics (formerly Invitae), Labcorp
Classification: Uncertain significance for Hypertrophic cardiomyopathy 1. Last evaluated: 2025-10-13. Review status: criteria provided, single submitter. Criteria: Invitae Variant Classification Sherloc (09022015). Collection method: clinical testing. Allele origin: germline.
Comment: This sequence change replaces serine, which is neutral and polar, with asparagine, which is neutral and polar, at codon 184 of the MYLK2 protein (p.Ser184Asn). This variant is present in population databases (rs112657833, gnomAD 0.007%). This variant has not been reported in the literature in individuals affected with MYLK2-related conditions. ClinVar contains an entry for this variant (Variation ID: 1525061). Invitae Evidence Modeling of protein sequence and biophysical properties (such as structural, functional, and spatial information, amino acid conservation, physicochemical variation, residue mobility, and thermodynamic stability) indicates that this missense variant is not expected to disrupt MYLK2 protein function with a negative predictive value of 80%. In summary, the available evidence is currently insufficient to determine the role of this variant in disease. Therefore, it has been classified as a Variant of Uncertain Significance.

NM_033118.4(MYLK2):c.551G>A (p.Ser184Asn)

Gene: MYLK2 (myosin light chain kinase 2; plus strand). Cytogenetic location: 20q11.21.
Variant type: single nucleotide variant.
Coding change: c.551G>A on transcript NM_033118.4 (MANE Select); coding-DNA position 551, G replaced by A.
Protein change: p.Ser184Asn; replaces serine 184 with asparagine.
Molecular consequence: missense variant.
Genome position (GRCh38, 1-based): chr20:31,821,516, G>A. VCF-style: chr20-31821516-G-A. GRCh37 (hg19) VCF-style: chr20-30409319-G-A.
Other names: short protein forms S184N.
Identifiers: ClinVar variation 1525061 (VCV001525061.6), dbSNP rs112657833, ClinGen allele CA9802956.